The following is an entry in ClinVar:

ClinVar aggregate classification (germline): Pathogenic/Likely pathogenic. Review status: criteria provided, multiple submitters, no conflicts (2 of 4 stars). 13 submissions from 13 submitters: Pathogenic (10); Likely pathogenic (1). 2 of the submissions do not count toward it. Last evaluated 2026-07-20.

Conditions:
Familial thoracic aortic aneurysm and aortic dissection (TAAD). Also called: Thoracic aortic aneurysms and dissections. Identifiers: Orphanet 91387, MedGen C4707243, MONDO:0019625.
Marfan syndrome (MFS). Also called: FBN1-Related Marfan Syndrome; Marfan syndrome type 1; Marfan's syndrome; Marfan syndrome, classic; MARFAN SYNDROME, TYPE I. Identifiers: Orphanet 284963, Orphanet 558, MedGen C0024796, MONDO:0007947, OMIM 154700.
FBN1-related disorder. Also called: FBN1-related disorders.

Submissions (13):

GeneDx
Classification: Pathogenic. Last evaluated: 2026-07-20. Review status: criteria provided, single submitter. Criteria: GeneDx Variant Classification Process June 2021. Collection method: clinical testing. Allele origin: germline.
Comment: Functional studies suggest a damaging effect with reduced calcium-binding affinity and irregular microfibril assembly (PMID: 11829507, 7896820, 18049824); In silico analysis supports that this missense variant has a deleterious effect on protein structure/function; Not observed at significant frequency in large population cohorts (gnomAD); This variant is associated with the following publications: (PMID: 27611364, 16220557, 17657824, 19533785, 12938084, 7896820, 18049824, 32679894, 9887276, 11829507, 8504310, 29790872, 36517271, 19293843, 20591885, 33910934)

Labcorp Genetics (formerly Invitae), Labcorp
Classification: Pathogenic for Marfan syndrome; Familial thoracic aortic aneurysm and aortic dissection. Last evaluated: 2025-10-18. Review status: criteria provided, single submitter. Criteria: Invitae Variant Classification Sherloc (09022015). Collection method: clinical testing. Allele origin: germline.
Comment: This sequence change replaces asparagine, which is neutral and polar, with serine, which is neutral and polar, at codon 2144 of the FBN1 protein (p.Asn2144Ser). This variant is not present in population databases (gnomAD no frequency). This missense change has been observed in individuals with Marfan syndrome (PMID: 8504310, 12938084, 16220557, 17657824). It has also been observed to segregate with disease in related individuals. This variant is also known as p.Asn1246Ser. ClinVar contains an entry for this variant (Variation ID: 16431). Invitae Evidence Modeling of protein sequence and biophysical properties (such as structural, functional, and spatial information, amino acid conservation, physicochemical variation, residue mobility, and thermodynamic stability) indicates that this missense variant is expected to disrupt FBN1 protein function with a positive predictive value of 95%. Experimental studies have shown that this missense change affects FBN1 function (PMID: 7896820, 11829507). For these reasons, this variant has been classified as Pathogenic.

Mayo Clinic Laboratories, Mayo Clinic
Classification: Pathogenic. Last evaluated: 2025-09-26. Review status: criteria provided, single submitter. Criteria: ACMG Guidelines, 2015. Collection method: clinical testing. Allele origin: germline. Observed: 1 variant allele.
Comment: PP2, PP3_moderate, PM1, PM2_supporting, PM5, PM6_strong, PS4

Dasa
Classification: Pathogenic. Last evaluated: 2024-09-23. Review status: criteria provided, single submitter. Criteria: DASA Assertion Criteria. Collection method: clinical testing. Allele origin: germline.
Comment: NM_000138.5(FBN1):c.6431A>G (p.Asn2144Ser) is a missense variant that results in the substitution of asparagine with serine. Functional evidence supports a deleterious effect on the gene or gene product (PMID: 7896820; PMID: 11829507; PMID: 8504310; PMID: 17657824). This variant has been recurrently observed in individuals with related phenotype (PMID: 7896820; PMID: 11829507; PMID: 8504310; PMID: 17657824). Segregation evidence has been reported in affected families. Multiple computational predictions support a deleterious effect on the gene or gene product. Based on the available data, this variant is classified as pathogenic.

Blueprint Genetics
Classification: Pathogenic for FBN1-related disorders. Last evaluated: 2024-08-20. Review status: criteria provided, single submitter. Criteria: ACMG Guidelines, 2015. Collection method: clinical testing. Allele origin: germline. Affected: yes. Observed: 2 variant alleles.

Institute of Human Genetics, University of Leipzig Medical Center
Classification: Pathogenic for Marfan syndrome. Last evaluated: 2023-09-28. Review status: criteria provided, single submitter. Criteria: ACMG Guidelines, 2015. Collection method: clinical testing. Allele origin: de novo. Inheritance: Autosomal dominant inheritance. Affected: yes.
Comment: Criteria applied: PS2_VSTR,PM5_STR,PS4_MOD,PM1,PM2_SUP,PP3,PP4

Clinical Genetics Laboratory, Skane University Hospital Lund
Classification: Pathogenic. Last evaluated: 2022-05-27. Review status: criteria provided, single submitter. Criteria: ACMG Guidelines, 2015. Collection method: clinical testing. Allele origin: germline. Affected: yes.

Petrovsky National Research Centre of Surgery, The Federal Agency for Scientific Organizations
Classification: Pathogenic for Marfan syndrome. Last evaluated: 2019-08-01. Review status: criteria provided, single submitter. Criteria: ACMG Guidelines, 2015. Collection method: clinical testing. Allele origin: unknown. Inheritance: Autosomal dominant inheritance. Affected: yes. Observed: 2 heterozygotes. Clinical features observed: High palate (HP:0000218), Dental crowding (HP:0000678), Joint hypermobility (HP:0001382), Arachnodactyly (HP:0001166), Hammertoe (HP:0001765), Asymmetric face, Kyphoscoliosis (HP:0002751), Flexion contracture (HP:0001371), Striae distensae (HP:0001065), dolichostenomelia.
Comment: The p.N2144S variant has been reported in various individuals (PMID: 17657824, 16220557) but is absent from large population studies. Clinvar has an entry for this variant (Variation ID:16431). Functional studies suggest change in EGF-like region weakening of the calcium-binding (PMID:8504310, 7896820, 11829507). Computational resources like Provean, SIFT, PolyPhen2 show damaging effect.

CHEO Genetics Diagnostic Laboratory, Children's Hospital of Eastern Ontario
Classification: Likely pathogenic for Familial thoracic aortic aneurysm and aortic dissection. Last evaluated: 2018-06-27. Review status: criteria provided, single submitter. Criteria: ACMG Guidelines, 2015. Collection method: clinical testing. Allele origin: germline.

HudsonAlpha Institute for Biotechnology
Classification: Pathogenic for Marfan syndrome. Last evaluated: 2016-04-14. Review status: criteria provided, single submitter. Criteria: HA_assertions_20150911. Collection method: research. Allele origin: unknown. Observed: 1 variant allele. Study: CSER-HudsonAlpha.

Juno Genomics, Hangzhou Juno Genomics, Inc
Classification: Pathogenic for Marfan syndrome. Review status: criteria provided, single submitter. Criteria: ACMG Guidelines, 2015. Collection method: clinical testing. Allele origin: germline. Affected: yes.
Comment: Absent from controls (or at extremely low frequency if recessive) in Genome Aggregation Database, Exome Sequencing Project, 1000 Genomes Project, or Exome Aggregation Consortium.;Well-established in vitro or in vivo functional studies supportive of a damaging effect on the gene or gene product.;The prevalence of the variant in affected individuals is significantly increased compared to the prevalence in controls.;Assumed de novo, but without confirmation of paternity and maternity.;Co-segregation with disease in multiple affected family members in a gene definitively known to cause the disease.;Missense variant in a gene that has a low rate of benign missense variation and where missense variants are a common mechanism of disease.;Novel missense change at an amino acid residue where a different missense change determined to be pathogenic has been seen before.

Center for Medical Genetics Ghent, University of Ghent
Classification: Likely pathogenic for Marfan syndrome. Last evaluated: 2017-11-07. Review status: no assertion criteria provided. Collection method: clinical testing. Allele origin: germline. Affected: yes. Not counted in ClinVar's aggregate classification.

OMIM
Classification: Pathogenic for MARFAN SYNDROME. Last evaluated: 1993-04-01. Review status: no assertion criteria provided. Collection method: literature only. Allele origin: germline. Not counted in ClinVar's aggregate classification.

Literature cited by the submitters: PubMed 8504310 (cited by 4 submitters); PubMed 12938084 (cited by Labcorp Genetics (formerly Invitae), Labcorp); PubMed 16220557 (cited by Labcorp Genetics (formerly Invitae), Labcorp); PubMed 17657824 (cited by Labcorp Genetics (formerly Invitae), Labcorp and Dasa); PubMed 7896820 (cited by 3 submitters); PubMed 11829507 (cited by Labcorp Genetics (formerly Invitae), Labcorp and Dasa); PubMed 27611364 (cited by Mayo Clinic Laboratories, Mayo Clinic); PubMed 29790872 (cited by Mayo Clinic Laboratories, Mayo Clinic); PubMed 32679894 (cited by Mayo Clinic Laboratories, Mayo Clinic); PubMed 33910934 (cited by Mayo Clinic Laboratories, Mayo Clinic); PubMed 36517271 (cited by Mayo Clinic Laboratories, Mayo Clinic).

NM_000138.5(FBN1):c.6431A>G (p.Asn2144Ser)

Gene: FBN1 (fibrillin 1; minus strand). Cytogenetic location: 15q21.1.
Variant type: single nucleotide variant.
Coding change: c.6431A>G on transcript NM_000138.5 (MANE Select); coding-DNA position 6431, A replaced by G.
Protein change: p.Asn2144Ser; replaces asparagine 2144 with serine.
Molecular consequence: missense variant.
Genome position (GRCh38, 1-based): chr15:48,437,026, T>C on the plus strand (A>G on the coding strand, the complement: FBN1 is on the minus strand). VCF-style: chr15-48437026-T-C. GRCh37 (hg19) VCF-style: chr15-48729223-T-C.
Other names: p.Asn2144Ser; short protein forms N2144S.
Identifiers: ClinVar variation 16431 (VCV000016431.28), dbSNP rs137854461, ClinGen allele CA016451.